The following is an entry in ClinVar:

NM_000465.4(BARD1):c.605C>T (p.Ser202Phe)

Gene: BARD1 (BRCA1 associated RING domain 1; minus strand). Cytogenetic location: 2q35.
Variant type: single nucleotide variant.
Coding change: c.605C>T on transcript NM_000465.4 (MANE Select); coding-DNA position 605, C replaced by T.
Protein change: p.Ser202Phe; replaces serine 202 with phenylalanine.
Molecular consequence: missense variant. On other transcripts: non-coding transcript variant (2), intron variant (3).
Genome position (GRCh38, 1-based): chr2:214,781,269, G>A on the plus strand (C>T on the coding strand, the complement: BARD1 is on the minus strand). VCF-style: chr2-214781269-G-A. GRCh37 (hg19) VCF-style: chr2-215645993-G-A.
Other names: c.548C>T, p.Ser183Phe (NM_001282543.2); c.158+28143C>T (NM_001282548.2); c.215+15792C>T (NM_001282545.2); c.364+11028C>T (NM_001282549.2); short protein forms S202F, S183F.
Identifiers: ClinVar variation 479141 (VCV000479141.19), dbSNP rs1018602332, ClinGen allele CA350456737.
Genomic context (GRCh38, chr2:214,781,269, plus strand): 5'-GCCTCTAAATTCCATTTTTGGTTGATTTCAGCTAAAGTTTTCTTTTTTTGCTTTTTTCCA[G>A]ATCTTGCAGAAGCCTTTTTAGCCCTCTCAGAAACATCTGCAGGAGGACTTGGGGAAACAA-3'
Protein context (NP_000456.2, residues 192-212): SERAKKASAR[Ser202Phe]GKKQKKKTLA

ClinVar aggregate classification (germline): Uncertain significance. Review status: criteria provided, multiple submitters, no conflicts (2 of 4 stars). 3 submissions from 3 submitters: Uncertain significance (3). Last evaluated 2024-06-24.

Conditions:
Hereditary cancer-predisposing syndrome. Also called: Neoplastic Syndromes, Hereditary; Hereditary Cancer Syndrome; Hereditary neoplastic syndrome; Tumor predisposition. Identifiers: Orphanet 140162, MedGen C0027672, MeSH D009386, MONDO:0015356.
Familial cancer of breast. Also called: BREAST CANCER, FAMILIAL; hereditary breast carcinoma; Hereditary breast cancer. Identifiers: Orphanet 227535, MedGen C0346153, MONDO:0016419, OMIM 114480. Disease mechanism: loss of function.

Allele frequency attached by ClinVar (database versions not stated): gnomAD exomes below 0.00001.
gnomAD v4.1: 2 of 1,596,104 alleles (0.00013%); highest among the groups gnomAD compares: East Asian, 0.0022%; no homozygotes.

Submissions (3):

Labcorp Genetics (formerly Invitae), Labcorp
Classification: Uncertain significance for Familial cancer of breast. Last evaluated: 2024-06-24. Review status: criteria provided, single submitter. Criteria: Invitae Variant Classification Sherloc (09022015). Collection method: clinical testing. Allele origin: germline.
Comment: This sequence change replaces serine, which is neutral and polar, with phenylalanine, which is neutral and non-polar, at codon 202 of the BARD1 protein (p.Ser202Phe). This variant is not present in population databases (gnomAD no frequency). This variant has not been reported in the literature in individuals affected with BARD1-related conditions. ClinVar contains an entry for this variant (Variation ID: 479141). An algorithm developed to predict the effect of missense changes on protein structure and function (PolyPhen-2) suggests that this variant is likely to be disruptive. In summary, the available evidence is currently insufficient to determine the role of this variant in disease. Therefore, it has been classified as a Variant of Uncertain Significance.

Color Diagnostics, LLC DBA Color Health
Classification: Uncertain significance for Hereditary cancer-predisposing syndrome. Last evaluated: 2023-12-04. Review status: criteria provided, single submitter. Criteria: ACMG Guidelines, 2015. Collection method: clinical testing. Allele origin: germline.
Comment: This missense variant replaces serine with phenylalanine at codon 202 of the BARD1 protein. Computational prediction suggests that this variant may not impact protein structure and function (internally defined REVEL score threshold <= 0.5, PMID: 27666373). To our knowledge, functional studies have not been reported for this variant. This variant has not been reported in individuals affected with BARD1-related disorders in the literature. This variant has not been identified in the general population by the Genome Aggregation Database (gnomAD). The available evidence is insufficient to determine the role of this variant in disease conclusively. Therefore, this variant is classified as a Variant of Uncertain Significance.

Ambry Genetics
Classification: Uncertain significance for Hereditary cancer-predisposing syndrome. Last evaluated: 2016-04-07. Review status: criteria provided, single submitter. Criteria: Ambry Variant Classification Scheme 2023. Collection method: clinical testing. Allele origin: germline.
Comment: The p.S202F variant (also known as c.605C>T), located in coding exon 4 of the BARD1 gene, results from a C to T substitution at nucleotide position 605. The serine at codon 202 is replaced by phenylalanine, an amino acid with highly dissimilar properties. This variant was not reported in population based cohorts in the following databases: Database of Single Nucleotide Polymorphisms (dbSNP), NHLBI Exome Sequencing Project (ESP), and 1000 Genomes Project. In the ESP, this variant was not observed in 6503 samples (13006 alleles) with coverage at this position. To date, this alteration has been detected with an allele frequency of approximately 0.001% (greater than 120000 alleles tested) in our clinical cohort. This amino acid position is not well conserved in available vertebrate species. In addition, this alteration is predicted to be tolerated by in silico analysis. Since supporting evidence is limited at this time, the clinical significance of this alteration remains unclear.